The following is an entry in ClinVar:

NM_000135.4(FANCA):c.1120C>T (p.His374Tyr)

Gene: FANCA (FA complementation group A; minus strand). Cytogenetic location: 16q24.3.
Variant type: single nucleotide variant.
Coding change: c.1120C>T on transcript NM_000135.4 (MANE Select); coding-DNA position 1120, C replaced by T.
Protein change: p.His374Tyr; replaces histidine 374 with tyrosine.
Molecular consequence: missense variant.
Genome position (GRCh38, 1-based): chr16:89,792,032, G>A on the plus strand (C>T on the coding strand, the complement: FANCA is on the minus strand). VCF-style: chr16-89792032-G-A. GRCh37 (hg19) VCF-style: chr16-89858440-G-A.
Other names: c.1120C>T, p.His374Tyr (NM_001286167.3); short protein forms H374Y.
Identifiers: ClinVar variation 4254296 (VCV004254296.1).

ClinVar aggregate classification (germline): Uncertain significance (1 of 4 stars; one submission).

Conditions:
Inborn genetic diseases. Identifiers: MedGen C0950123, MeSH D030342.

Submission:

Ambry Genetics
Classification: Uncertain significance for Inborn genetic diseases. Last evaluated: 2025-08-20. Review status: criteria provided, single submitter. Criteria: Ambry Variant Classification Scheme 2023. Collection method: clinical testing. Allele origin: germline.
Comment: The p.H374Y variant (also known as c.1120C>T), located in coding exon 13 of the FANCA gene, results from a C to T substitution at nucleotide position 1120. The histidine at codon 374 is replaced by tyrosine, an amino acid with similar properties. This amino acid position is conserved. In addition, this alteration is predicted to be tolerated by in silico analysis. Based on the available evidence, the clinical significance of this variant remains unclear.